The following is an entry in ClinVar:

ClinVar aggregate classification (germline): Pathogenic (1 of 4 stars; one submission).

Conditions:
Curry-Hall syndrome (WAD). Also called: WEYERS ACRODENTAL DYSOSTOSIS. Identifiers: Orphanet 952, MedGen C0457013, MONDO:0008673, OMIM 193530.
Ellis-van Creveld syndrome (EVC). Also called: Chondroectodermal dysplasia; MESOECTODERMAL DYSPLASIA; EVC-Related Ellis-van Creveld Syndrome; EVC2-Related Ellis-van Creveld Syndrome. Identifiers: Orphanet 289, MedGen C0013903, MONDO:0009162, OMIM 225500.

Submission:

Labcorp Genetics (formerly Invitae), Labcorp
Classification: Pathogenic for Curry-Hall syndrome; Ellis-van Creveld syndrome. Last evaluated: 2020-02-02. Review status: criteria provided, single submitter. Criteria: Invitae Variant Classification Sherloc (09022015). Collection method: clinical testing. Allele origin: germline.
Comment: This sequence change creates a premature translational stop signal (p.Ser370Profs*11) in the EVC2 gene. It is expected to result in an absent or disrupted protein product. This variant is not present in population databases (ExAC no frequency). This variant has not been reported in the literature in individuals with EVC2-related conditions. Loss-of-function variants in EVC2 are known to be pathogenic (PMID: 17024374, 19810119, 19876929). For these reasons, this variant has been classified as Pathogenic.

Literature cited by the submitters: PubMed 17024374; PubMed 19810119; PubMed 19876929.

NM_147127.5(EVC2):c.1108del (p.Ser370fs)

Gene: EVC2 (EvC ciliary complex subunit 2; minus strand). Cytogenetic location: 4p16.2.
Variant type: Deletion.
Coding change: c.1108del on transcript NM_147127.5 (MANE Select); coding-DNA position 1108, one base deleted (T; older notation c.1108delT).
Protein change: p.Ser370fs; shifts the reading frame from serine 370.
Molecular consequence: frameshift variant.
Genome position (GRCh38, 1-based): chr4:5,663,144, A deleted on the plus strand (T on the coding strand, the reverse complement: EVC2 is on the minus strand); the first of 2 consecutive A bases (chr4:5,663,144-5,663,145); deleting either gives the same sequence. VCF-style (leftmost placement, unchanged base first): chr4-5663143-GA-G. GRCh37 (hg19) VCF-style: chr4-5664870-GA-G.
Other names: c.868del, p.Ser290fs (NM_001166136.2); short protein forms S290fs, S370fs.
Identifiers: ClinVar variation 1073515 (VCV001073515.8), dbSNP rs2108895910, ClinGen allele CA2499217299.